The following is an entry in ClinVar:

ClinVar aggregate classification (germline): Uncertain significance. Review status: criteria provided, multiple submitters, no conflicts (2 of 4 stars). 2 submissions from 2 submitters: Uncertain significance (2). Last evaluated 2024-11-27.

Conditions:
Cohen syndrome (COH1). Also called: Cutis verticis gyrata, retinitis pigmentosa, and sensorineural deafness; PEPPER SYNDROME. Identifiers: Orphanet 193, MedGen C0265223, MONDO:0008999, OMIM 216550.
Inborn genetic diseases. Identifiers: MedGen C0950123, MeSH D030342.

Allele frequency attached by ClinVar (database versions not stated): ExAC 0.00002; gnomAD exomes 0.00002.
gnomAD v4.1: 9 of 1,607,260 alleles (0.00056%); highest among the groups gnomAD compares: South Asian, 0.0088%; no homozygotes.

Submissions (2):

Ambry Genetics
Classification: Uncertain significance for Inborn genetic diseases. Last evaluated: 2024-11-27. Review status: criteria provided, single submitter. Criteria: Ambry Variant Classification Scheme 2023. Collection method: clinical testing. Allele origin: germline.

Labcorp Genetics (formerly Invitae), Labcorp
Classification: Uncertain significance for Cohen syndrome. Last evaluated: 2022-10-24. Review status: criteria provided, single submitter. Criteria: Invitae Variant Classification Sherloc (09022015). Collection method: clinical testing. Allele origin: germline.
Comment: This sequence change replaces valine, which is neutral and non-polar, with phenylalanine, which is neutral and non-polar, at codon 1349 of the VPS13B protein (p.Val1349Phe). This variant is present in population databases (rs780981868, gnomAD 0.01%). This variant has not been reported in the literature in individuals affected with VPS13B-related conditions. ClinVar contains an entry for this variant (Variation ID: 963470). Algorithms developed to predict the effect of missense changes on protein structure and function are either unavailable or do not agree on the potential impact of this missense change (SIFT: "Not Available"; PolyPhen-2: "Probably Damaging"; Align-GVGD: "Not Available"). In summary, the available evidence is currently insufficient to determine the role of this variant in disease. Therefore, it has been classified as a Variant of Uncertain Significance.

NM_152564.5(VPS13B):c.4045G>T (p.Val1349Phe)

Gene: VPS13B (vacuolar protein sorting 13 homolog B; plus strand). Cytogenetic location: 8q22.2.
Variant type: single nucleotide variant.
Coding change: c.4045G>T on transcript NM_152564.5 (MANE Select); coding-DNA position 4045, G replaced by T.
Protein change: p.Val1349Phe; replaces valine 1349 with phenylalanine.
Molecular consequence: missense variant.
Genome position (GRCh38, 1-based): chr8:99,502,838, G>T. VCF-style: chr8-99502838-G-T. GRCh37 (hg19) VCF-style: chr8-100515066-G-T.
Other names: c.4045G>T (NM_017890.3); c.4045G>T, p.Val1349Phe (NM_017890.5); short protein forms V1349F.
Identifiers: ClinVar variation 963470 (VCV000963470.8), dbSNP rs780981868, ClinGen allele CA4823410.